The following is an entry in ClinVar:

ClinVar aggregate classification (germline): Pathogenic/Likely pathogenic. Review status: criteria provided, multiple submitters, no conflicts (2 of 4 stars). 2 submissions from 2 submitters: Pathogenic (1); Likely pathogenic (1). Last evaluated 2025-04-02.

Conditions:
Neuronopathy, distal hereditary motor, autosomal recessive 8. Also called: SORBITOL DEHYDROGENASE DEFICIENCY; NEUROPATHY, DISTAL HEREDITARY MOTOR, AUTOSOMAL RECESSIVE 8; SORBITOL DEHYDROGENASE DEFICIENCY WITH PERIPHERAL NEUROPATHY. Identifiers: Orphanet 700508, MedGen C5394466, MONDO:0030055, OMIM 618912.

Submissions (2):

GeneDx
Classification: Pathogenic. Last evaluated: 2025-04-02. Review status: criteria provided, single submitter. Criteria: GeneDx Variant Classification Process June 2021. Collection method: clinical testing. Allele origin: germline. Affected: yes.
Comment: Identified with a second variant in a patient with distal hereditary motor neuropathy in the published literature (PMID: 33397963); Canonical splice site variant predicted to result in a null allele in a gene for which loss of function is a known mechanism of disease; Not observed at significant frequency in large population cohorts (gnomAD); This variant is associated with the following publications: (PMID: 33397963)

Juno Genomics, Hangzhou Juno Genomics, Inc
Classification: Likely pathogenic for Neuronopathy, distal hereditary motor, autosomal recessive 8. Review status: criteria provided, single submitter. Criteria: ACMG Guidelines, 2015. Collection method: clinical testing. Allele origin: germline.
Comment: Absent from controls (or at extremely low frequency if recessive) in Genome Aggregation Database.;Null variant in a gene where loss of function (LOF) is a known mechanism of disease.;Patient's phenotype or family history is highly specific for a disease with a single genetic etiology.

NM_003104.6(SORD):c.908+1G>C

Gene: SORD (sorbitol dehydrogenase; plus strand). Cytogenetic location: 15q21.1.
Variant type: single nucleotide variant.
Coding change: c.908+1G>C on transcript NM_003104.6 (MANE Select); the canonical splice donor site of the intron after coding-DNA position 908, G replaced by C.
Molecular consequence: splice donor variant.
Genome position (GRCh38, 1-based): chr15:45,072,439, G>C. VCF-style: chr15-45072439-G-C. GRCh37 (hg19) VCF-style: chr15-45364637-G-C.
Identifiers: ClinVar variation 4278599 (VCV004278599.3).
Genomic context (GRCh38, chr15:45,072,439, plus strand): 5'-CCTACTGCATGCAGCCATCCGGGAGGTGGATATCAAGGGCGTGTTTCGATACTGCAACAC[G>C]TGAGTATGCCGTGGGTGAGCCGGGATGCCCAGCCTCCAGCAAGACCATGGCAGGCCCCAC-3'